The following is an entry in ClinVar:

ClinVar aggregate classification (germline): Uncertain significance (1 of 4 stars; one submission).

Conditions:
Hypertrophic cardiomyopathy. Also called: HYPERTROPHIC MYOCARDIOPATHY. Identifiers: Orphanet 217569, MedGen C0007194, MeSH D002312, MONDO:0005045, HP:0001639.

Submission:

Labcorp Genetics (formerly Invitae), Labcorp
Classification: Uncertain significance for Hypertrophic cardiomyopathy. Last evaluated: 2020-12-03. Review status: criteria provided, single submitter. Criteria: Invitae Variant Classification Sherloc (09022015). Collection method: clinical testing. Allele origin: germline.
Comment: This sequence change replaces valine with glutamic acid at codon 241 of the MYBPC3 protein (p.Val241Glu). The valine residue is highly conserved and there is a moderate physicochemical difference between valine and glutamic acid. This variant is not present in population databases (ExAC no frequency). This variant has not been reported in the literature in individuals with MYBPC3-related conditions. Algorithms developed to predict the effect of missense changes on protein structure and function (SIFT, PolyPhen-2, Align-GVGD) all suggest that this variant is likely to be disruptive, but these predictions have not been confirmed by published functional studies and their clinical significance is uncertain. In summary, the available evidence is currently insufficient to determine the role of this variant in disease. Therefore, it has been classified as a Variant of Uncertain Significance.

NM_000256.3(MYBPC3):c.722T>A (p.Val241Glu)

Gene: MYBPC3 (myosin binding protein C3; minus strand). Cytogenetic location: 11p11.2.
Variant type: single nucleotide variant.
Coding change: c.722T>A on transcript NM_000256.3 (MANE Select); coding-DNA position 722, T replaced by A.
Protein change: p.Val241Glu; replaces valine 241 with glutamic acid.
Molecular consequence: missense variant.
Genome position (GRCh38, 1-based): chr11:47,348,474, A>T on the plus strand (T>A on the coding strand, the complement: MYBPC3 is on the minus strand). VCF-style: chr11-47348474-A-T. GRCh37 (hg19) VCF-style: chr11-47370025-A-T.
Other names: short protein forms V241E.
Identifiers: ClinVar variation 1490733 (VCV001490733.8), dbSNP rs1595848896, ClinGen allele CA380335815.
Genomic context (GRCh38, chr11:47,348,474, plus strand): 5'-GCCCCCTCACCGTGGACAGTGAGATTGAAGTTGGAGCAGTCAAATTTGTCCTTGGTGGAC[A>T]CCTCACAGCGGTAGCTGCCAGTGAAGGCAGGCTGGGCATCGGTGATGTGCAGCTCGAACA-3'
Protein context (NP_000247.2, residues 231-251): PAFTGSYRCE[Val241Glu]STKDKFDCSN